The following is an entry in ClinVar:

NM_001347721.2(DYRK1A):c.208-28G>C

Gene: DYRK1A (dual specificity tyrosine phosphorylation regulated kinase 1A; plus strand). Cytogenetic location: 21q22.13.
Variant type: single nucleotide variant.
Coding change: c.208-28G>C on transcript NM_001347721.2 (MANE Select); 28 bases into the intron before coding-DNA position 208, G replaced by C.
Molecular consequence: intron variant. On other transcripts: splice acceptor variant (3).
Genome position (GRCh38, 1-based): chr21:37,478,180, G>C. VCF-style: chr21-37478180-G-C. GRCh37 (hg19) VCF-style: chr21-38850482-G-C.
Other names: c.208-1G>C (NM_001396.5, NM_101395.2, NM_130438.2); c.208-28G>C (NM_001347722.2, NM_130436.2); c.121-28G>C (NM_001347723.2).
Identifiers: ClinVar variation 998447 (VCV000998447.10), dbSNP rs552103257, ClinGen allele CA10023752.

ClinVar aggregate classification (germline): Uncertain significance. Review status: criteria provided, multiple submitters, no conflicts (2 of 4 stars). 3 submissions from 3 submitters: Uncertain significance (3). Last evaluated 2024-11-18.

Conditions:
DYRK1A-related intellectual disability syndrome (MRD7). Also called: Intellectual developmental disorder, autosomal dominant 7; DYRK1A Syndrome. Identifiers: Orphanet 464306, MedGen C5568143, MONDO:0013578, OMIM 614104.

Allele frequency attached by ClinVar (database versions not stated): ExAC 0.00002; TOPMed 0.00002; 1000 Genomes Project 30x 0.00031; 1000 Genomes Project 0.00040.
gnomAD v4.1: 5 of 1,613,758 alleles (0.00031%); highest among the groups gnomAD compares: African/African-American, 0.0053%; no homozygotes.

Submissions (3):

Labcorp Genetics (formerly Invitae), Labcorp
Classification: Uncertain significance for DYRK1A-related intellectual disability syndrome. Last evaluated: 2024-11-18. Review status: criteria provided, single submitter. Criteria: Invitae Variant Classification Sherloc (09022015). Collection method: clinical testing. Allele origin: germline.
Comment: This sequence change affects an acceptor splice site in intron 2 of the DYRK1A gene. It is expected to disrupt RNA splicing. Variants that disrupt the donor or acceptor splice site typically lead to a loss of protein function (PMID: 16199547), and loss-of-function variants in DYRK1A are known to be pathogenic (PMID: 25944381). This variant is present in population databases (rs552103257, gnomAD 0.01%). This variant has not been reported in the literature in individuals affected with DYRK1A-related conditions. ClinVar contains an entry for this variant (Variation ID: 998447). Algorithms developed to predict the effect of sequence changes on RNA splicing suggest that this variant may disrupt the consensus splice site. In summary, the available evidence is currently insufficient to determine the role of this variant in disease. Therefore, it has been classified as a Variant of Uncertain Significance.

GeneDx
Classification: Uncertain significance. Last evaluated: 2022-07-20. Review status: criteria provided, single submitter. Criteria: GeneDx Variant Classification Process June 2021. Collection method: clinical testing. Allele origin: germline. Affected: yes.
Comment: Canonical splice site variant expected to result in aberrant splicing, although in the absence of functional evidence the actual effect of this sequence change is unknown.; Has not been previously published as pathogenic or benign to our knowledge

Greenwood Genetic Center Diagnostic Laboratories, Greenwood Genetic Center
Classification: Uncertain significance. Last evaluated: 2021-06-02. Review status: criteria provided, single submitter. Criteria: ACMG Guidelines, 2015. Collection method: clinical testing. Allele origin: germline. Affected: yes.
Comment: PM2

Literature cited by the submitters: PubMed 16199547 (cited by Labcorp Genetics (formerly Invitae), Labcorp); PubMed 25944381 (cited by Labcorp Genetics (formerly Invitae), Labcorp).